The following is an entry in ClinVar:

ClinVar aggregate classification (germline): Uncertain significance (1 of 4 stars; one submission).

Allele frequency attached by ClinVar (database versions not stated): gnomAD 0.00001; TOPMed 0.00001.
gnomAD v4.1: 12 of 1,614,032 alleles (0.00074%); highest among the groups gnomAD compares: Admixed American, 0.0083%; no homozygotes.

Submission:

Labcorp Genetics (formerly Invitae), Labcorp
Classification: Uncertain significance. Last evaluated: 2021-03-25. Review status: criteria provided, single submitter. Criteria: Invitae Variant Classification Sherloc (09022015). Collection method: clinical testing. Allele origin: germline.
Comment: Experimental studies and prediction algorithms are not available or were not evaluated, and the functional significance of this variant is currently unknown. In summary, the available evidence is currently insufficient to determine the role of this variant in disease. Therefore, it has been classified as a Variant of Uncertain Significance. This variant has not been reported in the literature in individuals with HTT-related conditions. This variant is present in population databases (rs773952851, ExAC 0.009%). This sequence change replaces glycine with arginine at codon 414 of the HTT protein (p.Gly414Arg). The glycine residue is weakly conserved and there is a moderate physicochemical difference between glycine and arginine.

NM_001388492.1(HTT):c.1234G>C (p.Gly412Arg)

Gene: HTT (huntingtin; plus strand). Cytogenetic location: 4p16.3.
Variant type: single nucleotide variant.
Coding change: c.1234G>C on transcript NM_001388492.1 (MANE Select); coding-DNA position 1234, G replaced by C.
Protein change: p.Gly412Arg; replaces glycine 412 with arginine.
Molecular consequence: missense variant.
Genome position (GRCh38, 1-based): chr4:3,121,393, G>C. VCF-style: chr4-3121393-G-C. GRCh37 (hg19) VCF-style: chr4-3123120-G-C.
Other names: c.1240G>C, p.Gly414Arg (NM_002111.8); short protein forms G412R, G414R.
Identifiers: ClinVar variation 1465016 (VCV001465016.6), dbSNP rs773952851, ClinGen allele CA2823468.